The following is an entry in ClinVar:

NM_001145809.2(MYH14):c.4616G>T (p.Arg1539Leu)

Gene: MYH14 (myosin heavy chain 14; plus strand). Cytogenetic location: 19q13.33.
Variant type: single nucleotide variant.
Coding change: c.4616G>T on transcript NM_001145809.2 (MANE Select); coding-DNA position 4616, G replaced by T.
Protein change: p.Arg1539Leu; replaces arginine 1539 with leucine.
Molecular consequence: missense variant.
Genome position (GRCh38, 1-based): chr19:50,286,558, G>T. VCF-style: chr19-50286558-G-T. GRCh37 (hg19) VCF-style: chr19-50789815-G-T.
Other names: p.Arg1498Leu; c.4517G>T, p.Arg1506Leu (NM_001077186.2); c.4493G>T, p.Arg1498Leu (NM_024729.4); short protein forms R1539L, R1498L, R1506L.
Identifiers: ClinVar variation 1432210 (VCV001432210.11), dbSNP rs576482145, ClinGen allele CA406959016.

ClinVar aggregate classification (germline): Uncertain significance. Review status: criteria provided, multiple submitters, no conflicts (2 of 4 stars). 4 submissions from 4 submitters: Uncertain significance (4). Last evaluated 2023-04-20.

gnomAD v4.1: 21 of 1,611,946 alleles (0.0013%); highest among the groups gnomAD compares: Non-Finnish European, 0.0016%; no homozygotes.

Submissions (4):

Women's Health and Genetics/Laboratory Corporation of America, LabCorp
Classification: Uncertain significance. Last evaluated: 2023-04-20. Review status: criteria provided, single submitter. Criteria: LabCorp Variant Classification Summary - May 2015. Collection method: clinical testing. Allele origin: germline.
Comment: Variant summary: MYH14 c.4493G>T (p.Arg1498Leu) results in a non-conservative amino acid change located in the Myosin tail (IPR002928) of the encoded protein sequence. Three of five in-silico tools predict a damaging effect of the variant on protein function. The variant allele was found at a frequency of 1.2e-05 in 242242 control chromosomes. The available data on variant occurrences in the general population are insufficient to allow any conclusion about variant significance. c.4493G>T has been reported in the literature in individuals affected with clinical features of Neuropathy (Bacquet_2018). This report does not provide unequivocal conclusions about association of the variant with Deafness, Autosomal Dominant 4. To our knowledge, no experimental evidence demonstrating an impact on protein function has been reported. Two clinical diagnostic laboratories have submitted clinical-significance assessments for this variant to ClinVar after 2014 and classified the variant as uncertain significance. Based on the evidence outlined above, the variant was classified as uncertain significance.

Blueprint Genetics
Classification: Uncertain significance. Last evaluated: 2022-05-23. Review status: criteria provided, single submitter. Criteria: ACMG Guidelines, 2015. Collection method: clinical testing. Allele origin: germline.

Labcorp Genetics (formerly Invitae), Labcorp
Classification: Uncertain significance. Last evaluated: 2022-03-10. Review status: criteria provided, single submitter. Criteria: Invitae Variant Classification Sherloc (09022015). Collection method: clinical testing. Allele origin: germline.
Comment: In summary, the available evidence is currently insufficient to determine the role of this variant in disease. Therefore, it has been classified as a Variant of Uncertain Significance. Algorithms developed to predict the effect of missense changes on protein structure and function are either unavailable or do not agree on the potential impact of this missense change (SIFT: "Deleterious"; PolyPhen-2: "Possibly Damaging"; Align-GVGD: "Class C0"). This variant is also known as p.Arg1506Leu. This missense change has been observed in individual(s) with clinical features of peripheral neuropathy (PMID: 30373780). This variant is present in population databases (no rsID available, gnomAD 0.003%). This sequence change replaces arginine, which is basic and polar, with leucine, which is neutral and non-polar, at codon 1498 of the MYH14 protein (p.Arg1498Leu).

Mayo Clinic Laboratories, Mayo Clinic
Classification: Uncertain significance. Last evaluated: 2021-06-24. Review status: criteria provided, single submitter. Criteria: ACMG Guidelines, 2015. Collection method: clinical testing. Allele origin: germline.

Literature cited by the submitters: PubMed 30373780 (cited by Women's Health and Genetics/Laboratory Corporation of America, LabCorp and Labcorp Genetics (formerly Invitae), Labcorp).